The following is an entry in ClinVar:

NM_201253.3(CRB1):c.448G>A (p.Asp150Asn)

Gene: CRB1 (crumbs cell polarity complex component 1; plus strand). Cytogenetic location: 1q31.3.
Variant type: single nucleotide variant.
Coding change: c.448G>A on transcript NM_201253.3 (MANE Select); coding-DNA position 448, G replaced by A.
Protein change: p.Asp150Asn; replaces aspartic acid 150 with asparagine.
Molecular consequence: missense variant. On other transcripts: non-coding transcript variant (2).
Genome position (GRCh38, 1-based): chr1:197,328,799, G>A. VCF-style: chr1-197328799-G-A. GRCh37 (hg19) VCF-style: chr1-197297929-G-A.
Other names: c.448G>A, p.Asp150Asn (NM_001193640.2, NM_001257966.2); c.241G>A, p.Asp81Asn (NM_001257965.2); short protein forms D150N, D81N.
Identifiers: ClinVar variation 2400223 (VCV002400223.5), dbSNP rs1198989948, ClinGen allele CA344085796.

ClinVar aggregate classification (germline): Uncertain significance. Review status: criteria provided, multiple submitters, no conflicts (2 of 4 stars). 3 submissions from 3 submitters: Uncertain significance (3). Last evaluated 2024-07-26.

Conditions:
Retinitis pigmentosa 12 (RP12). Also called: RP WITH OR WITHOUT PPRPE; RP WITH OR WITHOUT PRESERVED PARAARTERIOLE RETINAL PIGMENT EPITHELIUM; RETINITIS PIGMENTOSA WITH OR WITHOUT PARAARTERIOLAR PRESERVATION OF RETINAL PIGMENT EPITHELIUM. Identifiers: Orphanet 791, MedGen C1838647, MONDO:0010818, OMIM 600105.
Leber congenital amaurosis 8 (LCA8). Identifiers: Orphanet 65, MedGen C3151202, MONDO:0013453, OMIM 613835.
Inborn genetic diseases. Identifiers: MedGen C0950123, MeSH D030342.

Allele frequency attached by ClinVar (database versions not stated): gnomAD exomes 0.00001; gnomAD 0.00002; TOPMed 0.00002.
gnomAD v4.1: 15 of 1,613,798 alleles (0.00093%); highest among the groups gnomAD compares: African/African-American, 0.004%; no homozygotes.

Submissions (3):

Labcorp Genetics (formerly Invitae), Labcorp
Classification: Uncertain significance for Leber congenital amaurosis 8; Retinitis pigmentosa 12. Last evaluated: 2024-07-26. Review status: criteria provided, single submitter. Criteria: Invitae Variant Classification Sherloc (09022015). Collection method: clinical testing. Allele origin: germline.
Comment: This sequence change replaces aspartic acid, which is acidic and polar, with asparagine, which is neutral and polar, at codon 150 of the CRB1 protein (p.Asp150Asn). This variant is not present in population databases (gnomAD no frequency). This variant has not been reported in the literature in individuals affected with CRB1-related conditions. ClinVar contains an entry for this variant (Variation ID: 2400223). An algorithm developed to predict the effect of missense changes on protein structure and function outputs the following: PolyPhen-2: "Benign". The asparagine amino acid residue is found in multiple mammalian species, which suggests that this missense change does not adversely affect protein function. In summary, the available evidence is currently insufficient to determine the role of this variant in disease. Therefore, it has been classified as a Variant of Uncertain Significance.

Blueprint Genetics
Classification: Uncertain significance. Last evaluated: 2024-02-08. Review status: criteria provided, single submitter. Criteria: ACMG Guidelines, 2015. Collection method: clinical testing. Allele origin: germline.

Ambry Genetics
Classification: Uncertain significance for Inborn genetic diseases. Last evaluated: 2022-04-25. Review status: criteria provided, single submitter. Criteria: Ambry Variant Classification Scheme 2023. Collection method: clinical testing. Allele origin: germline.